The following is an entry in ClinVar:

ClinVar aggregate classification (germline): Conflicting classifications of pathogenicity. Review status: criteria provided, conflicting classifications (1 of 4 stars). 3 submissions from 3 submitters: Uncertain significance (1); Likely benign (2). Last evaluated 2025-02-06.

Conditions:
Birt-Hogg-Dube syndrome. Also called: Birt Hogg Dubé syndrome. Identifiers: Orphanet 122, MedGen C0346010, MONDO:0800444.
Hereditary cancer-predisposing syndrome. Also called: Hereditary Cancer Syndrome; Tumor predisposition; Neoplastic Syndromes, Hereditary; Hereditary neoplastic syndrome. Identifiers: Orphanet 140162, MedGen C0027672, MeSH D009386, MONDO:0015356.

Allele frequency attached by ClinVar (database versions not stated): gnomAD 0.00001; TOPMed 0.00001.

Submissions (3):

Ambry Genetics
Classification: Likely benign for Hereditary cancer-predisposing syndrome. Last evaluated: 2025-02-06. Review status: criteria provided, single submitter. Criteria: Ambry Variant Classification Scheme 2023. Collection method: clinical testing. Allele origin: germline.

Labcorp Genetics (formerly Invitae), Labcorp
Classification: Likely benign for Birt-Hogg-Dube syndrome. Last evaluated: 2024-02-17. Review status: criteria provided, single submitter. Criteria: Invitae Variant Classification Sherloc (09022015). Collection method: clinical testing. Allele origin: germline.

Quest Diagnostics Nichols Institute San Juan Capistrano
Classification: Uncertain significance. Last evaluated: 2022-10-18. Review status: criteria provided, single submitter. Criteria: Quest Diagnostics criteria. Collection method: clinical testing. Allele origin: unknown.
Comment: This variant has not been reported in the published literature. The frequency of this variant in the general population, 0.0000066 (1/152206 chromosomes), is uninformative in assessment of its pathogenicity. Analysis of this variant using software algorithms for the prediction of the effect of nucleotide changes on FLCN mRNA splicing yielded predictions that this variant may result in the gain of a cryptic splice site without affecting the natural splice sites . Based on the available information, we are unable to determine the clinical significance of this variant.

NM_144997.7(FLCN):c.1254G>A (p.Leu418=)

Gene: FLCN (folliculin; minus strand). Cytogenetic location: 17p11.2.
Variant type: single nucleotide variant.
Coding change: c.1254G>A on transcript NM_144997.7 (MANE Select); coding-DNA position 1254, G replaced by A.
Protein change: p.Leu418=; no amino-acid change (leucine 418 retained).
Molecular consequence: synonymous variant.
Genome position (GRCh38, 1-based): chr17:17,216,426, C>T on the plus strand (G>A on the coding strand, the complement: FLCN is on the minus strand). VCF-style: chr17-17216426-C-T. GRCh37 (hg19) VCF-style: chr17-17119740-C-T.
Other names: c.1254G>A (NM_144997.6); c.1308G>A, p.Leu436= (NM_001353229.2); c.1254G>A, p.Leu418= (NM_001353230.2, NM_001353231.2).
Identifiers: ClinVar variation 2041211 (VCV002041211.6), dbSNP rs1226366288, ClinGen allele CA498163259.